The following is an entry in ClinVar:

NM_000179.3(MSH6):c.2841T>C (p.Asn947=)

Gene: MSH6 (mutS homolog 6; plus strand). Cytogenetic location: 2p16.3.
Variant type: single nucleotide variant.
Coding change: c.2841T>C on transcript NM_000179.3 (MANE Select); coding-DNA position 2841, T replaced by C.
Protein change: p.Asn947=; no amino-acid change (asparagine 947 retained).
Molecular consequence: synonymous variant.
Genome position (GRCh38, 1-based): chr2:47,800,824, T>C. VCF-style: chr2-47800824-T-C. GRCh37 (hg19) VCF-style: chr2-48027963-T-C.
Other names: c.2451T>C, p.Asn817= (NM_001281492.2); c.1935T>C, p.Asn645= (NM_001281493.2, NM_001281494.2).
Identifiers: ClinVar variation 387179 (VCV000387179.12), dbSNP rs1057522717, ClinGen allele CA16604324.

ClinVar aggregate classification (germline): Benign/Likely benign. Review status: criteria provided, multiple submitters, no conflicts (2 of 4 stars). 4 submissions from 4 submitters: Benign (1); Likely benign (3). Last evaluated 2025-01-03.

Conditions:
Hereditary nonpolyposis colorectal neoplasms. Identifiers: MedGen C0009405, MeSH D003123.
Lynch syndrome 5 (LYNCH5). Also called: Hereditary non-polyposis colorectal cancer, type 5; Colorectal cancer, hereditary nonpolyposis, type 5. Identifiers: Orphanet 144, MedGen C1833477, MONDO:0013710, OMIM 614350. Disease mechanism: loss of function.
Hereditary cancer-predisposing syndrome. Also called: Hereditary Cancer Syndrome; Hereditary neoplastic syndrome; Neoplastic Syndromes, Hereditary; Tumor predisposition. Identifiers: Orphanet 140162, MedGen C0027672, MeSH D009386, MONDO:0015356.

Allele frequency attached by ClinVar (database versions not stated): gnomAD exomes below 0.00001.
gnomAD v4.1: 1 of 1,613,970 alleles (0.000062%); highest among the groups gnomAD compares: Non-Finnish European, 0.000085%; no homozygotes.

Submissions (4):

Myriad Genetics, Inc.
Classification: Benign for Lynch syndrome 5. Last evaluated: 2025-01-03. Review status: criteria provided, single submitter. Criteria: Myriad Autosomal Dominant, Autosomal Recessive and X-Linked Classification Criteria (2023). Collection method: clinical testing. Allele origin: unknown.
Comment: This variant is considered benign. This variant is a silent/synonymous amino acid change and it is not expected to impact splicing.

Labcorp Genetics (formerly Invitae), Labcorp
Classification: Likely benign for Hereditary nonpolyposis colorectal neoplasms. Last evaluated: 2024-07-30. Review status: criteria provided, single submitter. Criteria: Invitae Variant Classification Sherloc (09022015). Collection method: clinical testing. Allele origin: germline.

Ambry Genetics
Classification: Likely benign for Hereditary cancer-predisposing syndrome. Last evaluated: 2019-01-25. Review status: criteria provided, single submitter. Criteria: Ambry Variant Classification Scheme 2023. Collection method: clinical testing. Allele origin: germline.

GeneDx
Classification: Likely benign. Last evaluated: 2016-06-23. Review status: criteria provided, single submitter. Criteria: GeneDx Variant Classification (06012015). Collection method: clinical testing. Allele origin: germline. Affected: yes.
Comment: This variant is considered likely benign or benign based on one or more of the following criteria: it is a conservative change, it occurs at a poorly conserved position in the protein, it is predicted to be benign by multiple in silico algorithms, and/or has population frequency not consistent with disease.